The following is an entry in ClinVar:

NM_003200.5(TCF3):c.214A>T (p.Ser72Cys)

Gene: TCF3 (transcription factor 3; minus strand). Cytogenetic location: 19p13.3.
Variant type: single nucleotide variant.
Coding change: c.214A>T on transcript NM_003200.5 (MANE Select); coding-DNA position 214, A replaced by T.
Protein change: p.Ser72Cys; replaces serine 72 with cysteine.
Molecular consequence: missense variant.
Genome position (GRCh38, 1-based): chr19:1,632,337, T>A on the plus strand (A>T on the coding strand, the complement: TCF3 is on the minus strand). VCF-style: chr19-1632337-T-A. GRCh37 (hg19) VCF-style: chr19-1632336-T-A.
Other names: c.214A>T, p.Ser72Cys (NM_001136139.4, NM_001351778.2, NM_001351779.2); short protein forms S72C.
Identifiers: ClinVar variation 1419666 (VCV001419666.6), dbSNP rs148980906, ClinGen allele CA9050550.
Genomic context (GRCh38, chr19:1,632,337, plus strand): 5'-CCCCCAACTCTGGGGACAGGAAACTCAGGGTCTCAGGCCTCACGGGGACTCCTACCCGGC[T>A]GGGGTCAAAGGAGGAGCTGCTCTGGTCGCCGCTGCCCCAGGAGCCTGAGCTGGGCCGGTC-3'
Protein context (NP_003191.1, residues 62-82): GDQSSSSFDP[Ser72Cys]RTFSEGTHFT

ClinVar aggregate classification (germline): Uncertain significance (1 of 4 stars; one submission).

Allele frequency attached by ClinVar (database versions not stated): gnomAD exomes 0.00004; TOPMed 0.00005; gnomAD 0.00006 and 0.00007; ExAC 0.00012; ESP Exome Variant Server 0.00015.
gnomAD v4.1: 66 of 1,586,692 alleles (0.0042%); highest among the groups gnomAD compares: Non-Finnish European, 0.0054%; no homozygotes.

Submission:

Labcorp Genetics (formerly Invitae), Labcorp
Classification: Uncertain significance. Last evaluated: 2026-02-02. Review status: criteria provided, single submitter. Criteria: Invitae Variant Classification Sherloc (09022015). Collection method: clinical testing. Allele origin: germline.
Comment: This sequence change replaces serine, which is neutral and polar, with cysteine, which is neutral and slightly polar, at codon 72 of the TCF3 protein (p.Ser72Cys). This variant is present in population databases (rs148980906, gnomAD 0.01%). This variant has not been reported in the literature in individuals affected with TCF3-related conditions. ClinVar contains an entry for this variant (Variation ID: 1419666). Invitae Evidence Modeling of protein sequence and biophysical properties (such as structural, functional, and spatial information, amino acid conservation, physicochemical variation, residue mobility, and thermodynamic stability) indicates that this missense variant is not expected to disrupt TCF3 protein function with a negative predictive value of 80%. In summary, the available evidence is currently insufficient to determine the role of this variant in disease. Therefore, it has been classified as a Variant of Uncertain Significance.